The following is an entry in ClinVar:

NM_001267550.2(TTN):c.102507T>C (p.Thr34169=)

Genes: TTN (titin; minus strand), TTN-AS1 (TTN antisense RNA 1; plus strand). Cytogenetic location: 2q31.2.
Variant type: single nucleotide variant.
Coding change: c.102507T>C on transcript NM_001267550.2 (MANE Select); coding-DNA position 102507, T replaced by C.
Protein change: p.Thr34169=; no amino-acid change (threonine 34169 retained).
Molecular consequence: synonymous variant.
Genome position (GRCh38, 1-based): chr2:178,534,108, A>G on the plus strand (T>C on the coding strand, the complement: TTN is on the minus strand). VCF-style: chr2-178534108-A-G. GRCh37 (hg19) VCF-style: chr2-179398835-A-G.
Other names: c.97584T>C, p.Thr32528= (NM_001256850.1); c.75312T>C, p.Thr25104= (NM_003319.4); c.94803T>C, p.Thr31601= (NM_133378.4); c.75687T>C, p.Thr25229= (NM_133432.3); c.75888T>C, p.Thr25296= (NM_133437.4).
Identifiers: ClinVar variation 2651579 (VCV002651579.24), dbSNP rs2468522093, ClinGen allele CA430238050.

ClinVar aggregate classification (germline): Likely benign (1 of 4 stars; one submission).

Allele frequency attached by ClinVar (database versions not stated): gnomAD exomes 0.00001.
gnomAD v4.1: 11 of 1,613,972 alleles (0.00068%); highest among the groups gnomAD compares: Non-Finnish European, 0.00093%; no homozygotes.

Submission:

CeGaT Center for Human Genetics Tuebingen
Classification: Likely benign. Last evaluated: 2022-12-01. Review status: criteria provided, single submitter. Criteria: CeGaT Center For Human Genetics Tuebingen Variant Classification Criteria Version 2. Collection method: clinical testing. Allele origin: germline. Affected: yes. Observed: 1 variant allele.
Comment: TTN: PM2:Supporting, BP4, BP7